The following is an entry in ClinVar:

NM_182914.3(SYNE2):c.1876G>A (p.Ala626Thr)

Gene: SYNE2 (spectrin repeat containing nuclear envelope protein 2; plus strand). Cytogenetic location: 14q23.2.
Variant type: single nucleotide variant.
Coding change: c.1876G>A on transcript NM_182914.3 (MANE Select); coding-DNA position 1876, G replaced by A.
Protein change: p.Ala626Thr; replaces alanine 626 with threonine.
Molecular consequence: missense variant.
Genome position (GRCh38, 1-based): chr14:63,982,669, G>A. VCF-style: chr14-63982669-G-A. GRCh37 (hg19) VCF-style: chr14-64449387-G-A.
Other names: c.1876G>A, p.Ala626Thr (NM_015180.6); short protein forms A626T.
Identifiers: ClinVar variation 1506015 (VCV001506015.6), dbSNP rs766378548, ClinGen allele CA7219543.
Genomic context (GRCh38, chr14:63,982,669, plus strand): 5'-TGTTGCTTGTGTATCATGTAGGTACCCTTTGAGACACTAGCCCAGTGGAATCTAGAACAC[G>A]CTACTTTAAATGAAGCAGGAAATTTCTTAGTCGAAGTCAGCAATGATGTGGTTGGATCAT-3'
Protein context (NP_878918.2, residues 616-636): ETLAQWNLEH[Ala626Thr]TLNEAGNFLV

ClinVar aggregate classification (germline): Uncertain significance (1 of 4 stars; one submission).

Conditions:
Emery-Dreifuss muscular dystrophy 5, autosomal dominant (EDMD5). Also called: EMERY-DREIFUSS MUSCULAR DYSTROPHY 5. Identifiers: Orphanet 261, MedGen C2751805, MONDO:0013072, OMIM 612999.

gnomAD v4.1: 28 of 1,613,952 alleles (0.0017%); highest among the groups gnomAD compares: Middle Eastern, 0.049%; no homozygotes.

Submission:

Labcorp Genetics (formerly Invitae), Labcorp
Classification: Uncertain significance for Emery-Dreifuss muscular dystrophy 5, autosomal dominant. Last evaluated: 2025-03-19. Review status: criteria provided, single submitter. Criteria: Invitae Variant Classification Sherloc (09022015). Collection method: clinical testing. Allele origin: germline.
Comment: This sequence change replaces alanine, which is neutral and non-polar, with threonine, which is neutral and polar, at codon 626 of the SYNE2 protein (p.Ala626Thr). This variant is present in population databases (rs766378548, gnomAD 0.01%). This variant has not been reported in the literature in individuals affected with SYNE2-related conditions. ClinVar contains an entry for this variant (Variation ID: 1506015). An algorithm developed to predict the effect of missense changes on protein structure and function outputs the following: PolyPhen-2: "Benign". The threonine amino acid residue is found in multiple mammalian species, which suggests that this missense change does not adversely affect protein function. In summary, the available evidence is currently insufficient to determine the role of this variant in disease. Therefore, it has been classified as a Variant of Uncertain Significance.